The following is an entry in ClinVar:

ClinVar aggregate classification (germline): Uncertain significance. Review status: criteria provided, multiple submitters, no conflicts (2 of 4 stars). 2 submissions from 2 submitters: Uncertain significance (2). Last evaluated 2025-12-04.

Conditions:
Inborn genetic diseases. Identifiers: MedGen C0950123, MeSH D030342.

Allele frequency attached by ClinVar (database versions not stated): ExAC 0.00001; TOPMed 0.00002; gnomAD 0.00001; gnomAD exomes 0.00002.
gnomAD v4.1: 36 of 1,613,782 alleles (0.0022%); highest among the groups gnomAD compares: Non-Finnish European, 0.003%; no homozygotes.

Submissions (2):

Ambry Genetics
Classification: Uncertain significance for Inborn genetic diseases. Last evaluated: 2025-12-04. Review status: criteria provided, single submitter. Criteria: Ambry Variant Classification Scheme 2023. Collection method: clinical testing. Allele origin: germline.

Labcorp Genetics (formerly Invitae), Labcorp
Classification: Uncertain significance. Last evaluated: 2023-12-21. Review status: criteria provided, single submitter. Criteria: Invitae Variant Classification Sherloc (09022015). Collection method: clinical testing. Allele origin: germline.
Comment: This sequence change replaces glycine, which is neutral and non-polar, with glutamic acid, which is acidic and polar, at codon 312 of the PCLO protein (p.Gly312Glu). This variant is present in population databases (rs779739484, gnomAD 0.0009%). This variant has not been reported in the literature in individuals affected with PCLO-related conditions. Experimental studies and prediction algorithms are not available or were not evaluated, and the functional significance of this variant is currently unknown. In summary, the available evidence is currently insufficient to determine the role of this variant in disease. Therefore, it has been classified as a Variant of Uncertain Significance.

NM_033026.6(PCLO):c.935G>A (p.Gly312Glu)

Gene: PCLO (piccolo presynaptic cytomatrix protein; minus strand). Cytogenetic location: 7q21.11.
Variant type: single nucleotide variant.
Coding change: c.935G>A on transcript NM_033026.6 (MANE Select); coding-DNA position 935, G replaced by A.
Protein change: p.Gly312Glu; replaces glycine 312 with glutamic acid.
Molecular consequence: missense variant.
Genome position (GRCh38, 1-based): chr7:83,155,706, C>T on the plus strand (G>A on the coding strand, the complement: PCLO is on the minus strand). VCF-style: chr7-83155706-C-T. GRCh37 (hg19) VCF-style: chr7-82785022-C-T.
Other names: c.935G>A (NM_033026.5); c.935G>A, p.Gly312Glu (NM_014510.3); short protein forms G312E.
Identifiers: ClinVar variation 3020378 (VCV003020378.2), dbSNP rs779739484, ClinGen allele CA4321572.